The following is an entry in ClinVar:

NM_001017995.3(SH3PXD2B):c.376C>A (p.Pro126Thr)

Gene: SH3PXD2B (SH3 and PX domains 2B; minus strand). Cytogenetic location: 5q35.1.
Variant type: single nucleotide variant.
Coding change: c.376C>A on transcript NM_001017995.3 (MANE Select); coding-DNA position 376, C replaced by A.
Protein change: p.Pro126Thr; replaces proline 126 with threonine.
Molecular consequence: missense variant.
Genome position (GRCh38, 1-based): chr5:172,382,061, G>T on the plus strand (C>A on the coding strand, the complement: SH3PXD2B is on the minus strand). VCF-style: chr5-172382061-G-T. GRCh37 (hg19) VCF-style: chr5-171809065-G-T.
Other names: c.376C>A, p.Pro126Thr (NM_001308175.2); short protein forms P126T.
Identifiers: ClinVar variation 1397209 (VCV001397209.8), dbSNP rs1362048606, ClinGen allele CA362144644.

ClinVar aggregate classification (germline): Uncertain significance (1 of 4 stars; one submission).

Allele frequency attached by ClinVar (database versions not stated): gnomAD exomes below 0.00001; TOPMed below 0.00001.
gnomAD v4.1: 2 of 1,612,306 alleles (0.00012%); highest among the groups gnomAD compares: Non-Finnish European, 0.00017%; no homozygotes.

Submission:

Labcorp Genetics (formerly Invitae), Labcorp
Classification: Uncertain significance. Last evaluated: 2021-07-26. Review status: criteria provided, single submitter. Criteria: Invitae Variant Classification Sherloc (09022015). Collection method: clinical testing. Allele origin: germline.
Comment: In summary, the available evidence is currently insufficient to determine the role of this variant in disease. Therefore, it has been classified as a Variant of Uncertain Significance. Algorithms developed to predict the effect of missense changes on protein structure and function are either unavailable or do not agree on the potential impact of this missense change (SIFT: "Tolerated"; PolyPhen-2: "Possibly Damaging"; Align-GVGD: "Class C0"). This variant has not been reported in the literature in individuals affected with SH3PXD2B-related conditions. This variant is not present in population databases (ExAC no frequency). This sequence change replaces proline with threonine at codon 126 of the SH3PXD2B protein (p.Pro126Thr). The proline residue is highly conserved and there is a small physicochemical difference between proline and threonine.